The following is an entry in ClinVar:

NM_014915.3(ANKRD26):c.2600G>A (p.Arg867Gln)

Gene: ANKRD26 (ankyrin repeat domain 26; minus strand). Cytogenetic location: 10p12.1.
Variant type: single nucleotide variant.
Coding change: c.2600G>A on transcript NM_014915.3 (MANE Select); coding-DNA position 2600, G replaced by A.
Protein change: p.Arg867Gln; replaces arginine 867 with glutamine.
Molecular consequence: missense variant.
Genome position (GRCh38, 1-based): chr10:27,037,283, C>T on the plus strand (G>A on the coding strand, the complement: ANKRD26 is on the minus strand). VCF-style: chr10-27037283-C-T. GRCh37 (hg19) VCF-style: chr10-27326212-C-T.
Other names: c.2597G>A, p.Arg866Gln (NM_001256053.2); short protein forms R867Q, R866Q.
Identifiers: ClinVar variation 2722883 (VCV002722883.6), dbSNP rs776789651, ClinGen allele CA5448186.

ClinVar aggregate classification (germline): Uncertain significance. Review status: criteria provided, multiple submitters, no conflicts (2 of 4 stars). 3 submissions from 3 submitters: Uncertain significance (3). Last evaluated 2025-12-01.

Conditions:
Inborn genetic diseases. Identifiers: MedGen C0950123, MeSH D030342.

Allele frequency attached by ClinVar (database versions not stated): gnomAD exomes 0.00003; ExAC 0.00002; gnomAD 0.00002; TOPMed 0.00001.
gnomAD v4.1: 53 of 1,613,690 alleles (0.0033%); highest among the groups gnomAD compares: Non-Finnish European, 0.0036%; no homozygotes.

Submissions (3):

Labcorp Genetics (formerly Invitae), Labcorp
Classification: Uncertain significance. Last evaluated: 2025-12-01. Review status: criteria provided, single submitter. Criteria: Invitae Variant Classification Sherloc (09022015). Collection method: clinical testing. Allele origin: germline.
Comment: This sequence change replaces arginine, which is basic and polar, with glutamine, which is neutral and polar, at codon 867 of the ANKRD26 protein (p.Arg867Gln). This variant is present in population databases (rs776789651, gnomAD 0.004%). This variant has not been reported in the literature in individuals affected with ANKRD26-related conditions. ClinVar contains an entry for this variant (Variation ID: 2722883). An algorithm developed to predict the effect of missense changes on protein structure and function outputs the following: PolyPhen-2: "Benign". The glutamine amino acid residue is found in multiple mammalian species, which suggests that this missense change does not adversely affect protein function. In summary, the available evidence is currently insufficient to determine the role of this variant in disease. Therefore, it has been classified as a Variant of Uncertain Significance.

Ambry Genetics
Classification: Uncertain significance for Inborn genetic diseases. Last evaluated: 2024-12-07. Review status: criteria provided, single submitter. Criteria: Ambry Variant Classification Scheme 2023. Collection method: clinical testing. Allele origin: germline.
Comment: The p.R867Q variant (also known as c.2600G>A), located in coding exon 23 of the ANKRD26 gene, results from a G to A substitution at nucleotide position 2600. The arginine at codon 867 is replaced by glutamine, an amino acid with highly similar properties. This amino acid position is conserved. In addition, this alteration is predicted to be tolerated by in silico analysis. Based on the available evidence, the clinical significance of this variant remains unclear.

GeneDx
Classification: Uncertain significance. Last evaluated: 2023-05-25. Review status: criteria provided, single submitter. Criteria: GeneDx Variant Classification Process June 2021. Collection method: clinical testing. Allele origin: germline. Affected: yes.
Comment: Not observed at significant frequency in large population cohorts (gnomAD); In silico analysis supports that this missense variant does not alter protein structure/function; Has not been previously published as pathogenic or benign to our knowledge